The following is an entry in ClinVar:

NM_004415.4(DSP):c.645G>A (p.Glu215=)

Gene: DSP (desmoplakin; plus strand). Cytogenetic location: 6p24.3.
Variant type: single nucleotide variant.
Coding change: c.645G>A on transcript NM_004415.4 (MANE Select); coding-DNA position 645, G replaced by A.
Protein change: p.Glu215=; no amino-acid change (glutamic acid 215 retained).
Molecular consequence: synonymous variant.
Genome position (GRCh38, 1-based): chr6:7,562,699, G>A. VCF-style: chr6-7562699-G-A. GRCh37 (hg19) VCF-style: chr6-7562932-G-A.
Other names: c.645G>A, p.Glu215= (NM_001008844.3, NM_001319034.2, NM_001406591.1).
Identifiers: ClinVar variation 3071386 (VCV003071386.1), dbSNP rs774136644, ClinGen allele CA047748.
Genomic context (GRCh38, chr6:7,562,699, plus strand): 5'-CTTTGTGTCGCAGGCGGAGATGGACATGGTGGCCTGGGGTGTGGACCTGGCCTCAGTGGA[G>A]CAGCACATTAACAGCCACCGGGGCATCCACAACTCCATCGGCGACTATCGCTGGCAGCTG-3'
Protein context (NP_004406.2, residues 205-225): VAWGVDLASV[Glu215=]QHINSHRGIH

ClinVar aggregate classification (germline): Likely benign (1 of 4 stars; one submission).

Conditions:
Arrhythmogenic cardiomyopathy with wooly hair and keratoderma. Also called: PALMOPLANTAR KERATODERMA WITH LEFT VENTRICULAR CARDIOMYOPATHY AND WOOLLY HAIR; Carvajal syndrome; Dilated cardiomyopathy with woolly hair and keratoderma; Arrhythmogenic cardiomyopathy with woolly hair and keratoderma. Identifiers: Orphanet 65282, MedGen C1854063, MONDO:0011581, OMIM 605676.

Allele frequency attached by ClinVar (database versions not stated): gnomAD exomes below 0.00001; ExAC 0.00001.
gnomAD v4.1: 2 of 1,614,126 alleles (0.00012%); highest among the groups gnomAD compares: South Asian, 0.0011%; no homozygotes.

Submission:

All of Us Research Program, National Institutes of Health
Classification: Likely benign for Arrhythmogenic cardiomyopathy with wooly hair and keratoderma. Last evaluated: 2023-05-30. Review status: criteria provided, single submitter. Criteria: ACMG Guidelines, 2015. Collection method: clinical testing. Allele origin: germline. Inheritance: Autosomal dominant inheritance. Observed: 1 variant allele, 1 heterozygote.
Comment: This study involves interpretation of variants in research participants for the purpose of population health screening. Participant phenotype was not available at the time of variant classification. Additional details can be found in publication PMID: 35346344, PMCID: PMC8962531